The following is an entry in ClinVar:

ClinVar aggregate classification (germline): Likely pathogenic (1 of 4 stars; one submission).

Conditions:
Heterotaxy, visceral, 6, autosomal (HTX6). Also called: Heterotaxy, visceral, 6, autosomal recessive. Identifiers: Orphanet 450, MedGen C3553676, MONDO:0013887, OMIM 614779.

Submission:

Dasa
Classification: Likely pathogenic for Heterotaxy, visceral, 6, autosomal. Last evaluated: 2026-01-20. Review status: criteria provided, single submitter. Criteria: DASA Assertion Criteria. Collection method: clinical testing. Allele origin: germline.
Comment: NM_145020.5(CFAP53):c.737_740del (p.Gln246Argfs*5) is a frameshift variant in CFAP53 predicted to alter the reading frame and introduce a premature termination codon and is predicted to result in an absent or altered protein product. Loss of function is an established disease mechanism for CFAP53-associated disorders. Also, this variant is rare in population databases. Based on the currently available evidence, this variant is classified as likely pathogenic.

NM_145020.5(CFAP53):c.737_740del (p.Gln246fs)

Gene: CFAP53 (cilia and flagella associated protein 53; minus strand). Cytogenetic location: 18q21.1.
Variant type: Microsatellite.
Coding change: c.737_740del on transcript NM_145020.5 (MANE Select); coding-DNA positions 737 to 740, 4 bases deleted (AGGC; older notation c.737_740delAGGC).
Protein change: p.Gln246fs; shifts the reading frame from glutamine 246.
Molecular consequence: frameshift variant.
Genome position (GRCh38, 1-based): chr18:50,251,518-50,251,521, GCCT deleted on the plus strand (AGGC on the coding strand, the reverse complement: CFAP53 is on the minus strand); deleting any 4 consecutive bases within chr18:50,251,518-50,251,525 gives the same sequence; the c. name uses the placement nearest the transcript's 3' end. VCF-style (leftmost placement, unchanged base first): chr18-50251517-CGCCT-C. GRCh37 (hg19) VCF-style: chr18-47777887-CGCCT-C.
Other names: short protein forms Q246fs.
Identifiers: ClinVar variation 4880756 (VCV004880756.2).
Genomic context (GRCh38, chr18:50,251,517, plus strand): 5'-CTAACAAGCATTTTAAAGGCCCACCACAAGGCGTGCCTCCTCTTCCTTCAGCAGCTGTGT[CGCCT>C]GCCTTTGTGCCTTGATGCTGGTGATCTGGGCATTCAGCCCCAGGCGTGTGTTCTCCATCA-3'